The following is an entry in ClinVar:

NM_001319074.4(RAX2):c.479C>T (p.Ala160Val)

Gene: RAX2 (retina and anterior neural fold homeobox 2; minus strand). Cytogenetic location: 19p13.3.
Variant type: single nucleotide variant.
Coding change: c.479C>T on transcript NM_001319074.4 (MANE Select); coding-DNA position 479, C replaced by T.
Protein change: p.Ala160Val; replaces alanine 160 with valine.
Molecular consequence: missense variant.
Genome position (GRCh38, 1-based): chr19:3,770,697, G>A on the plus strand (C>T on the coding strand, the complement: RAX2 is on the minus strand). VCF-style: chr19-3770697-G-A. GRCh37 (hg19) VCF-style: chr19-3770695-G-A.
Other names: c.479C>T (NM_032753.3); c.479C>T, p.Ala160Val (NM_032753.4); short protein forms A160V.
Identifiers: ClinVar variation 1349595 (VCV001349595.9), dbSNP rs1016314982, ClinGen allele CA304416632.

ClinVar aggregate classification (germline): Uncertain significance. Review status: criteria provided, multiple submitters, no conflicts (2 of 4 stars). 2 submissions from 2 submitters: Uncertain significance (2). Last evaluated 2025-03-17.

Allele frequency attached by ClinVar (database versions not stated): gnomAD exomes 0.00001 and 0.00003; gnomAD 0.00003; TOPMed 0.00003.

Submissions (2):

Ambry Genetics
Classification: Uncertain significance. Last evaluated: 2025-03-17. Review status: criteria provided, single submitter. Criteria: Ambry Variant Classification Scheme 2023. Collection method: clinical testing. Allele origin: germline.

Labcorp Genetics (formerly Invitae), Labcorp
Classification: Uncertain significance. Last evaluated: 2024-10-23. Review status: criteria provided, single submitter. Criteria: Invitae Variant Classification Sherloc (09022015). Collection method: clinical testing. Allele origin: germline.
Comment: This sequence change replaces alanine, which is neutral and non-polar, with valine, which is neutral and non-polar, at codon 160 of the RAX2 protein (p.Ala160Val). This variant is present in population databases (no rsID available, gnomAD 0.01%). This variant has not been reported in the literature in individuals affected with RAX2-related conditions. ClinVar contains an entry for this variant (Variation ID: 1349595). An algorithm developed to predict the effect of missense changes on protein structure and function (PolyPhen-2) suggests that this variant is likely to be tolerated. In summary, the available evidence is currently insufficient to determine the role of this variant in disease. Therefore, it has been classified as a Variant of Uncertain Significance.